The following is an entry in ClinVar:

NM_000540.3(RYR1):c.4672C>T (p.Gln1558Ter)

Gene: RYR1 (ryanodine receptor 1; plus strand). Cytogenetic location: 19q13.2.
Variant type: single nucleotide variant.
Coding change: c.4672C>T on transcript NM_000540.3 (MANE Select); coding-DNA position 4672, C replaced by T.
Protein change: p.Gln1558Ter; replaces glutamine 1558 with a stop codon.
Molecular consequence: nonsense.
Genome position (GRCh38, 1-based): chr19:38,483,078, C>T. VCF-style: chr19-38483078-C-T. GRCh37 (hg19) VCF-style: chr19-38973718-C-T.
Other names: c.4672C>T, p.Gln1558Ter (NM_001042723.2); short protein forms Q1558*.
Identifiers: ClinVar variation 419203 (VCV000419203.2), dbSNP rs1064793717, ClinGen allele CA16620832.

ClinVar aggregate classification (germline): Pathogenic (1 of 4 stars; one submission).

Submission:

GeneDx
Classification: Pathogenic. Last evaluated: 2015-06-09. Review status: criteria provided, single submitter. Criteria: GeneDx Variant Classification (06012015). Collection method: clinical testing. Allele origin: germline. Affected: yes.
Comment: The Q1558X nonsense variant in the RYR1 gene is predicted to cause loss of normal protein function either through protein truncation or nonsense-mediated mRNA decay. It was not observed in approximately 6,500individuals of European and African American ancestry in the NHLBI Exome Sequencing Project, indicating itis not a common benign variant in these populations. Therefore, we interpret Q1558X as a pathogenic variant.